The following is an entry in ClinVar:

NM_000094.4(COL7A1):c.6393+2T>C

Gene: COL7A1 (collagen type VII alpha 1 chain; minus strand). Cytogenetic location: 3p21.31.
Variant type: single nucleotide variant.
Coding change: c.6393+2T>C on transcript NM_000094.4 (MANE Select); the canonical splice donor site of the intron after coding-DNA position 6393, T replaced by C.
Molecular consequence: splice donor variant.
Genome position (GRCh38, 1-based): chr3:48,574,675, A>G on the plus strand (T>C on the coding strand, the complement: COL7A1 is on the minus strand). VCF-style: chr3-48574675-A-G. GRCh37 (hg19) VCF-style: chr3-48612108-A-G.
Identifiers: ClinVar variation 4531898 (VCV004531898.1).

ClinVar aggregate classification (germline): Likely pathogenic (1 of 4 stars; one submission).

Conditions:
Recessive dystrophic epidermolysis bullosa (RDEB). Also called: DYSTROPHIC EPIDERMOLYSIS BULLOSA, AUTOSOMAL RECESSIVE; EPIDERMOLYSIS BULLOSA DYSTROPHICA, HALLOPEAU-SIEMENS TYPE; Hallopeau-Siemens Disease; severe generalized recessive dystrophic epidermolysis bullosa; EPIDERMOLYSIS BULLOSA DYSTROPHICA, GENERALIZED SEVERE, AUTOSOMAL RECESSIVE; Epidermolysis Bullosa Distrophica Autosomal Recessive (RDEB). Identifiers: Orphanet 79408, Orphanet 79409, MedGen C0079474, MONDO:0009179, OMIM 226600.

Submission:

Victorian Clinical Genetics Services, Murdoch Childrens Research Institute
Classification: Likely pathogenic for Recessive dystrophic epidermolysis bullosa. Last evaluated: 2025-03-27. Review status: criteria provided, single submitter. Criteria: ACMG Guidelines, 2015. Collection method: clinical testing. Allele origin: germline.
Comment: This variant is classified as Likely pathogenic. Evidence in support of pathogenic classification: Canonical splice site variant without proven consequence on splicing (no functional evidence available); Variant is absent from gnomAD (v2, v3 and v4); Another canonical splice variant comparable to the one identified in this case has limited previous evidence for pathogenicity. c.6393+1G>C has been classified as likely pathogenic by a clinical laboratory (ClinVar); Abnormal splicing is predicted by in silico tool and affected nucleotide is highly conserved. Additional information: This variant is heterozygous; This gene is associated with both recessive and dominant disease. The spectrum of dystrophic epidermolysis bullosa associated with this gene can be either autosomal dominant or recessive inheritance. Autosomal dominant epidermolysis bullosa dystrophica (MIM#131750) is typically associated with milder phenotypes, whereas autosomal recessive epidermolysis bullosa dystrophica (MIM#226600) is usually observed in more severe cases (OMIM). Premature termination variants resulting in complete absence of protein are usually associated with the most severe recessive dystrophic epidermolysis bullosa (PMID: 32506467); This variant has no previous evidence of pathogenicity; No published segregation evidence has been identified for this variant; No published functional evidence has been identified for this variant; Dominant negative and loss of function are known mechanisms of disease in this gene and are associated with dystrophic epidermolysis bullosa (DEB) (OMIM, PMID: 31670143); Variants in this gene are known to have variable expressivity. Severity ranges from involving only nails to generalized and severe blistering and scarring (PMID: 31670143).

Literature cited by the submitters: PubMed 31670143; PubMed 32506467.